The following is an entry in ClinVar:

ClinVar aggregate classification (germline): Pathogenic (1 of 4 stars; one submission).

Conditions:
Familial thoracic aortic aneurysm and aortic dissection (TAAD). Also called: Thoracic aortic aneurysms and dissections. Identifiers: Orphanet 91387, MedGen C4707243, MONDO:0019625.
Marfan syndrome (MFS). Also called: MARFAN SYNDROME, TYPE I; Marfan syndrome type 1; Marfan's syndrome; Marfan syndrome, classic; FBN1-Related Marfan Syndrome. Identifiers: Orphanet 284963, Orphanet 558, MedGen C0024796, MONDO:0007947, OMIM 154700.

Allele frequency attached by ClinVar (database versions not stated): ExAC 0.00001.

Submission:

Labcorp Genetics (formerly Invitae), Labcorp
Classification: Pathogenic for Marfan syndrome; Familial thoracic aortic aneurysm and aortic dissection. Last evaluated: 2022-06-30. Review status: criteria provided, single submitter. Criteria: Invitae Variant Classification Sherloc (09022015). Collection method: clinical testing. Allele origin: germline.
Comment: Algorithms developed to predict the effect of sequence changes on RNA splicing suggest that this variant may disrupt the consensus splice site. Disruption of this splice site has been observed in individuals with Marfan syndrome (PMID: 29848614, 33174221). This variant is not present in population databases (gnomAD no frequency). This sequence change affects an acceptor splice site in intron 37 of the FBN1 gene. It is expected to disrupt RNA splicing. Variants that disrupt the donor or acceptor splice site typically lead to a loss of protein function (PMID: 16199547), and loss-of-function variants in FBN1 are known to be pathogenic (PMID: 17657824, 19293843). For these reasons, this variant has been classified as Pathogenic.

Literature cited by the submitters: PubMed 29848614; PubMed 33174221; PubMed 16199547; PubMed 17657824; PubMed 19293843.

NM_000138.5(FBN1):c.4583-2A>G

Gene: FBN1 (fibrillin 1; minus strand). Cytogenetic location: 15q21.1.
Variant type: single nucleotide variant.
Coding change: c.4583-2A>G on transcript NM_000138.5 (MANE Select); the canonical splice acceptor site of the intron before coding-DNA position 4583, A replaced by G.
Molecular consequence: splice acceptor variant.
Genome position (GRCh38, 1-based): chr15:48,468,104, T>C on the plus strand (A>G on the coding strand, the complement: FBN1 is on the minus strand). VCF-style: chr15-48468104-T-C. GRCh37 (hg19) VCF-style: chr15-48760301-T-C.
Other names: c.4583-2A>G (NM_001406716.1).
Identifiers: ClinVar variation 2044624 (VCV002044624.4), dbSNP rs745665056, ClinGen allele CA053389.